The following is an entry in ClinVar:

NM_005733.3(KIF20A):c.799A>G (p.Ile267Val)

Gene: KIF20A (kinesin family member 20A; plus strand). Cytogenetic location: 5q31.2.
Variant type: single nucleotide variant.
Coding change: c.799A>G on transcript NM_005733.3 (MANE Select); coding-DNA position 799, A replaced by G.
Protein change: p.Ile267Val; replaces isoleucine 267 with valine.
Molecular consequence: missense variant.
Genome position (GRCh38, 1-based): chr5:138,182,957, A>G. VCF-style: chr5-138182957-A-G. GRCh37 (hg19) VCF-style: chr5-137518646-A-G.
Other names: short protein forms I267V.
Identifiers: ClinVar variation 3626211 (VCV003626211.2).

ClinVar aggregate classification (germline): Uncertain significance (1 of 4 stars; one submission).

gnomAD v4.1: 32 of 1,614,200 alleles (0.002%); highest among the groups gnomAD compares: Non-Finnish European, 0.0026%; no homozygotes.

Submission:

Labcorp Genetics (formerly Invitae), Labcorp
Classification: Uncertain significance. Last evaluated: 2024-10-07. Review status: criteria provided, single submitter. Criteria: Invitae Variant Classification Sherloc (09022015). Collection method: clinical testing. Allele origin: germline.
Comment: This sequence change replaces isoleucine, which is neutral and non-polar, with valine, which is neutral and non-polar, at codon 267 of the KIF20A protein (p.Ile267Val). This variant is not present in population databases (gnomAD no frequency). This variant has not been reported in the literature in individuals affected with KIF20A-related conditions. An algorithm developed to predict the effect of missense changes on protein structure and function (PolyPhen-2) suggests that this variant is likely to be tolerated. In summary, the available evidence is currently insufficient to determine the role of this variant in disease. Therefore, it has been classified as a Variant of Uncertain Significance.